The following is an entry in ClinVar:

ClinVar aggregate classification (germline): Uncertain significance. Review status: criteria provided, multiple submitters, no conflicts (2 of 4 stars). 2 submissions from 2 submitters: Uncertain significance (2). Last evaluated 2026-01-05.

Conditions:
Progressive familial heart block type IB (PFHB1B). Identifiers: Orphanet 871, MedGen C1970298, MONDO:0011474, OMIM 604559.
Cardiovascular phenotype. Identifiers: MedGen CN230736.

Allele frequency attached by ClinVar (database versions not stated): TOPMed below 0.00001; gnomAD exomes 0.00003; ExAC 0.00005; ESP Exome Variant Server 0.00008.
gnomAD v4.1: 15 of 1,613,868 alleles (0.00093%); highest among the groups gnomAD compares: East Asian, 0.013%; no homozygotes.

Submissions (2):

Labcorp Genetics (formerly Invitae), Labcorp
Classification: Uncertain significance for Progressive familial heart block type IB. Last evaluated: 2026-01-05. Review status: criteria provided, single submitter. Criteria: Invitae Variant Classification Sherloc (09022015). Collection method: clinical testing. Allele origin: germline.
Comment: This sequence change replaces serine, which is neutral and polar, with leucine, which is neutral and non-polar, at codon 206 of the TRPM4 protein (p.Ser206Leu). This variant is present in population databases (rs376782481, gnomAD 0.03%). This variant has not been reported in the literature in individuals affected with TRPM4-related conditions. ClinVar contains an entry for this variant (Variation ID: 936349). An algorithm developed to predict the effect of missense changes on protein structure and function (PolyPhen-2) suggests that this variant is likely to be tolerated. In summary, the available evidence is currently insufficient to determine the role of this variant in disease. Therefore, it has been classified as a Variant of Uncertain Significance.

Ambry Genetics
Classification: Uncertain significance for Cardiovascular phenotype. Last evaluated: 2024-05-17. Review status: criteria provided, single submitter. Criteria: Ambry Variant Classification Scheme 2023. Collection method: clinical testing. Allele origin: germline.
Comment: The p.S206L variant (also known as c.617C>T), located in coding exon 6 of the TRPM4 gene, results from a C to T substitution at nucleotide position 617. The serine at codon 206 is replaced by leucine, an amino acid with dissimilar properties. This amino acid position is conserved. In addition, this alteration is predicted to be tolerated by in silico analysis. Based on the available evidence, the clinical significance of this variant remains unclear.

NM_017636.4(TRPM4):c.617C>T (p.Ser206Leu)

Gene: TRPM4 (transient receptor potential cation channel subfamily M member 4; plus strand). Cytogenetic location: 19q13.33.
Variant type: single nucleotide variant.
Coding change: c.617C>T on transcript NM_017636.4 (MANE Select); coding-DNA position 617, C replaced by T.
Protein change: p.Ser206Leu; replaces serine 206 with leucine.
Molecular consequence: missense variant. On other transcripts: 5 prime UTR variant (2).
Genome position (GRCh38, 1-based): chr19:49,168,557, C>T. VCF-style: chr19-49168557-C-T. GRCh37 (hg19) VCF-style: chr19-49671814-C-T.
Other names: c.617C>T, p.Ser206Leu (NM_001195227.2); c.272C>T, p.Ser91Leu (NM_001321281.2); c.-937C>T (NM_001321282.2); c.95C>T, p.Ser32Leu (NM_001321283.2); c.-233C>T (NM_001321285.2); short protein forms S32L, S91L, S206L.
Identifiers: ClinVar variation 936349 (VCV000936349.5), dbSNP rs376782481, ClinGen allele CA9568891.